The following is an entry in ClinVar:

NM_001127671.2(LIFR):c.1788dup (p.Arg597fs)

Gene: LIFR (LIF receptor subunit alpha; minus strand). Cytogenetic location: 5p13.1.
Variant type: Duplication.
Coding change: c.1788dup on transcript NM_001127671.2 (MANE Select); coding-DNA position 1788, one base duplicated (A; older notation c.1788dupA).
Protein change: p.Arg597fs; shifts the reading frame from arginine 597.
Molecular consequence: frameshift variant.
Genome position (GRCh38, 1-based): chr5:38,496,479, T duplicated on the plus strand (A on the coding strand, the reverse complement: LIFR is on the minus strand). VCF-style (leftmost placement, unchanged base first): chr5-38496478-G-GT. GRCh37 (hg19) VCF-style: chr5-38496580-G-GT.
Other names: c.1788dup, p.Arg597fs (NM_001364297.2, NM_001364298.2, NM_002310.6); short protein forms R597fs.
Identifiers: ClinVar variation 2813264 (VCV002813264.3), dbSNP rs2531000911, ClinGen allele CA2739274680.

ClinVar aggregate classification (germline): Pathogenic (1 of 4 stars; one submission).

Submission:

Labcorp Genetics (formerly Invitae), Labcorp
Classification: Pathogenic. Last evaluated: 2023-05-05. Review status: criteria provided, single submitter. Criteria: Invitae Variant Classification Sherloc (09022015). Collection method: clinical testing. Allele origin: germline.
Comment: For these reasons, this variant has been classified as Pathogenic. This variant has not been reported in the literature in individuals affected with LIFR-related conditions. This variant is not present in population databases (gnomAD no frequency). This sequence change creates a premature translational stop signal (p.Arg597Thrfs*3) in the LIFR gene. It is expected to result in an absent or disrupted protein product. Loss-of-function variants in LIFR are known to be pathogenic (PMID: 14740318).

Literature cited by the submitters: PubMed 14740318.